The following is an entry in ClinVar:

ClinVar aggregate classification (germline): Uncertain significance. Review status: criteria provided, multiple submitters, no conflicts (2 of 4 stars). 2 submissions from 2 submitters: Uncertain significance (2). Last evaluated 2024-10-08.

Conditions:
Hereditary cancer-predisposing syndrome. Also called: Neoplastic Syndromes, Hereditary; Hereditary neoplastic syndrome; Tumor predisposition; Hereditary Cancer Syndrome. Identifiers: Orphanet 140162, MedGen C0027672, MeSH D009386, MONDO:0015356.
Tuberous sclerosis 1 (TSC1). Identifiers: Orphanet 805, MedGen C1854465, MONDO:0008612, OMIM 191100.

Submissions (2):

Ambry Genetics
Classification: Uncertain significance for Hereditary cancer-predisposing syndrome. Last evaluated: 2024-10-08. Review status: criteria provided, single submitter. Criteria: Ambry Variant Classification Scheme 2023. Collection method: clinical testing. Allele origin: germline.
Comment: The p.I779L variant (also known as c.2335A>C), located in coding exon 16 of the TSC1 gene, results from an A to C substitution at nucleotide position 2335. The isoleucine at codon 779 is replaced by leucine, an amino acid with highly similar properties. This amino acid position is conserved. In addition, this alteration is predicted to be tolerated by in silico analysis. Based on the available evidence, the clinical significance of this variant remains unclear.

Labcorp Genetics (formerly Invitae), Labcorp
Classification: Uncertain significance for Tuberous sclerosis 1. Last evaluated: 2024-01-06. Review status: criteria provided, single submitter. Criteria: Invitae Variant Classification Sherloc (09022015). Collection method: clinical testing. Allele origin: germline.
Comment: This sequence change replaces isoleucine, which is neutral and non-polar, with leucine, which is neutral and non-polar, at codon 779 of the TSC1 protein (p.Ile779Leu). This variant is not present in population databases (gnomAD no frequency). This variant has not been reported in the literature in individuals affected with TSC1-related conditions. Advanced modeling of protein sequence and biophysical properties (such as structural, functional, and spatial information, amino acid conservation, physicochemical variation, residue mobility, and thermodynamic stability) performed at Invitae indicates that this missense variant is not expected to disrupt TSC1 protein function with a negative predictive value of 95%. In summary, the available evidence is currently insufficient to determine the role of this variant in disease. Therefore, it has been classified as a Variant of Uncertain Significance.

NM_000368.5(TSC1):c.2335A>C (p.Ile779Leu)

Gene: TSC1 (TSC complex subunit 1; minus strand). Cytogenetic location: 9q34.13.
Variant type: single nucleotide variant.
Coding change: c.2335A>C on transcript NM_000368.5 (MANE Select); coding-DNA position 2335, A replaced by C.
Protein change: p.Ile779Leu; replaces isoleucine 779 with leucine.
Molecular consequence: missense variant. On other transcripts: non-coding transcript variant (5).
Genome position (GRCh38, 1-based): chr9:132,902,661, T>G on the plus strand (A>C on the coding strand, the complement: TSC1 is on the minus strand). VCF-style: chr9-132902661-T-G. GRCh37 (hg19) VCF-style: chr9-135778048-T-G.
Other names: c.2332A>C, p.Ile778Leu (NM_001162426.2, NM_001406597.1, NM_001406598.1 and 4 more transcripts); c.2182A>C, p.Ile728Leu (NM_001162427.2, NM_001406610.1); c.1972A>C, p.Ile658Leu (NM_001362177.2, NM_001406614.1, NM_001406615.1 and 5 more transcripts); c.2335A>C, p.Ile779Leu (NM_001406592.1, NM_001406593.1, NM_001406594.1 and 5 more transcripts); c.2320A>C, p.Ile774Leu (NM_001406601.1, NM_001406602.1); c.2317A>C, p.Ile773Leu (NM_001406603.1, NM_001406604.1); c.2179A>C, p.Ile727Leu (NM_001406611.1, NM_001406612.1, NM_001406613.1); c.1282A>C, p.Ile428Leu (NM_001406630.1, NM_001406629.1); and 3 more; short protein forms I728L, I773L, I774L, I461L, I462L, I779L, I657L, I727L.
Identifiers: ClinVar variation 2707917 (VCV002707917.4), dbSNP rs1845445721, ClinGen allele CA375359447.